The following is an entry in ClinVar:

ClinVar aggregate classification (germline): Likely benign. Review status: criteria provided, multiple submitters, no conflicts (2 of 4 stars). 8 submissions from 7 submitters: Likely benign (8). Last evaluated 2026-05-01.

Conditions:
Developmental and epileptic encephalopathy, 14 (DEE14). Also called: Early infantile epileptic encephalopathy 14. Identifiers: Orphanet 293181, MedGen C3554195, MONDO:0013989, OMIM 614959.
Autosomal dominant nocturnal frontal lobe epilepsy 5. Also called: CILIARY DYSKINESIA, PRIMARY, 28, WITHOUT SITUS INVERSUS; CILIARY DYSKINESIA, PRIMARY, 28, WITH SITUS INVERSUS; KCNT1-Related Epilepsy; Epilepsy, nocturnal frontal lobe, 5. Identifiers: Orphanet 98784, MedGen C3554306, MONDO:0014002, OMIM 615005.
KCNT1-related disorder. Also called: KCNT1-related condition.
Inborn genetic diseases. Identifiers: MedGen C0950123, MeSH D030342.

Allele frequency attached by ClinVar (database versions not stated): gnomAD exomes 0.00005 and 0.00010; gnomAD 0.00006; ExAC 0.00007; TOPMed 0.00008; 1000 Genomes Project 30x 0.00031; 1000 Genomes Project 0.00040.
gnomAD v4.1: 82 of 1,613,808 alleles (0.0051%); highest among the groups gnomAD compares: Admixed American, 0.062%; no homozygotes.

Submissions (8):

CeGaT Center for Human Genetics Tuebingen
Classification: Likely benign. Last evaluated: 2026-05-01. Review status: criteria provided, single submitter. Criteria: CeGaT Center For Human Genetics Tuebingen Variant Classification Criteria Version 2. Collection method: clinical testing. Allele origin: germline. Affected: yes. Observed: 1 variant allele.
Comment: KCNT1: BP4, BP7

Labcorp Genetics (formerly Invitae), Labcorp
Classification: Likely benign for Autosomal dominant nocturnal frontal lobe epilepsy 5; Developmental and epileptic encephalopathy, 14. Last evaluated: 2026-02-02. Review status: criteria provided, single submitter. Criteria: Invitae Variant Classification Sherloc (09022015). Collection method: clinical testing. Allele origin: germline.

Blueprint Genetics
Classification: Likely benign. Last evaluated: 2024-10-31. Review status: criteria provided, single submitter. Criteria: ACMG Guidelines, 2015. Collection method: clinical testing. Allele origin: germline.

PreventionGenetics, part of Exact Sciences
Classification: Likely benign for KCNT1-related condition. Last evaluated: 2024-10-30. Review status: criteria provided, single submitter. Criteria: ACMG Guidelines, 2015. Collection method: clinical testing. Allele origin: germline.
Comment: This variant is classified as likely benign based on ACMG/AMP sequence variant interpretation guidelines (Richards et al. 2015 PMID: 25741868, with internal and published modifications).

Genome-Nilou Lab
Classification: Likely benign for Developmental and epileptic encephalopathy, 14. Last evaluated: 2022-03-15. Review status: criteria provided, single submitter. Criteria: ACMG Guidelines, 2015. Collection method: clinical testing. Allele origin: germline. Affected: no.

Genome-Nilou Lab
Classification: Likely benign for Autosomal dominant nocturnal frontal lobe epilepsy 5. Last evaluated: 2022-03-15. Review status: criteria provided, single submitter. Criteria: ACMG Guidelines, 2015. Collection method: clinical testing. Allele origin: germline. Affected: no.

GeneDx
Classification: Likely benign. Last evaluated: 2017-11-02. Review status: criteria provided, single submitter. Criteria: GeneDx Variant Classification (06012015). Collection method: clinical testing. Allele origin: germline. Affected: yes.
Comment: This variant is considered likely benign or benign based on one or more of the following criteria: it is a conservative change, it occurs at a poorly conserved position in the protein, it is predicted to be benign by multiple in silico algorithms, and/or has population frequency not consistent with disease.

Ambry Genetics
Classification: Likely benign for Inborn genetic diseases. Last evaluated: 2017-06-29. Review status: criteria provided, single submitter. Criteria: Ambry Variant Classification Scheme 2023. Collection method: clinical testing. Allele origin: germline.

NM_020822.3(KCNT1):c.279C>T (p.Asn93=)

Gene: KCNT1 (potassium sodium-activated channel subfamily T member 1; plus strand). Cytogenetic location: 9q34.3.
Variant type: single nucleotide variant.
Coding change: c.279C>T on transcript NM_020822.3 (MANE Select); coding-DNA position 279, C replaced by T.
Protein change: p.Asn93=; no amino-acid change (asparagine 93 retained).
Molecular consequence: synonymous variant.
Genome position (GRCh38, 1-based): chr9:135,750,122, C>T. VCF-style: chr9-135750122-C-T. GRCh37 (hg19) VCF-style: chr9-138641968-C-T.
Other names: c.135C>T, p.Asn45= (NM_001272003.2).
Identifiers: ClinVar variation 512972 (VCV000512972.18), dbSNP rs183022730, ClinGen allele CA5326358.